The following is an entry in ClinVar:

ClinVar aggregate classification (germline): Uncertain significance (1 of 4 stars; one submission).

Conditions:
Familial adenomatous polyposis 1 (FAP1). Also called: FAMILIAL ADENOMATOUS POLYPOSIS 1, ATTENUATED; POLYPOSIS, ADENOMATOUS INTESTINAL. Identifiers: MedGen C2713442, MONDO:0021056, OMIM 175100. Disease mechanism: loss of function.

Submission:

Labcorp Genetics (formerly Invitae), Labcorp
Classification: Uncertain significance for Familial adenomatous polyposis 1. Last evaluated: 2019-11-06. Review status: criteria provided, single submitter. Criteria: Invitae Variant Classification Sherloc (09022015). Collection method: clinical testing. Allele origin: germline.
Comment: This variant results in a copy number gain of the genomic region encompassing exons 2-5 of the APC gene. The 5' end of this event is likely confined to intron 1 of the APC gene, but not affecting promoters 1A and 1B. The 3' boundary is likely confined to intron 5 of the APC gene. While the exact position of this variant cannot be determined from this data, sub-genic copy number gains are generally in tandem (PMID: 25640679). Similar copy number gains involving exons 2-4, 2-6, 2-8, and 2-11 have been observed in individuals with clinical features consistent with familial adenomatous polyposis (FAP) or attenuated FAP (AFAP) (PMID: 18406876, 23561487, Invitae). However, this particular gain of exons 2-5 has been observed in one or more individuals who were not affected with clinical features of FAP or AFAP (Invitae). In summary, the available evidence is currently insufficient to determine the role of this variant in disease. Therefore, it has been classified as a Variant of Uncertain Significance.

Literature cited by the submitters: PubMed 23561487; PubMed 18406876.

NC_000005.9:g.(?_112090578)_(112111444_?)dup

Gene: APC (APC regulator of Wnt signaling pathway; plus strand). Cytogenetic location: 5q22.2.
Variant type: Duplication.
Identifiers: ClinVar variation 657378 (VCV000657378.2).